The following is an entry in ClinVar:

NM_001035.3(RYR2):c.8530A>T (p.Met2844Leu)

Gene: RYR2 (ryanodine receptor 2; plus strand). Cytogenetic location: 1q43.
Variant type: single nucleotide variant.
Coding change: c.8530A>T on transcript NM_001035.3 (MANE Select); coding-DNA position 8530, A replaced by T.
Protein change: p.Met2844Leu; replaces methionine 2844 with leucine.
Molecular consequence: missense variant.
Genome position (GRCh38, 1-based): chr1:237,667,898, A>T. VCF-style: chr1-237667898-A-T. GRCh37 (hg19) VCF-style: chr1-237831198-A-T.
Other names: short protein forms M2844L.
Identifiers: ClinVar variation 3070530 (VCV003070530.1), dbSNP rs1191455251, ClinGen allele CA345402400.

ClinVar aggregate classification (germline): Uncertain significance (1 of 4 stars; one submission).

Conditions:
Catecholaminergic polymorphic ventricular tachycardia (CVPT). Also called: Catecholamine-induced polymorphic ventricular tachycardia. Identifiers: Orphanet 3286, MedGen C5574922, MONDO:0017990.

Allele frequency attached by ClinVar (database versions not stated): gnomAD exomes below 0.00001; TOPMed below 0.00001.
gnomAD v4.1: 2 of 1,583,670 alleles (0.00013%); highest among the groups gnomAD compares: Non-Finnish European, 0.00017%; no homozygotes.

Submission:

All of Us Research Program, National Institutes of Health
Classification: Uncertain significance for Catecholaminergic polymorphic ventricular tachycardia. Last evaluated: 2023-06-08. Review status: criteria provided, single submitter. Criteria: ACMG Guidelines, 2015. Collection method: clinical testing. Allele origin: germline. Inheritance: Autosomal dominant inheritance. Observed: 1 variant allele, 1 heterozygote.
Comment: This missense variant replaces methionine with leucine at codon 2844 of the RYR2 protein. Computational prediction suggests that this variant may not impact protein structure and function (internally defined REVEL score threshold <= 0.5, PMID: 27666373). To our knowledge, functional studies have not been reported for this variant. This variant has not been reported in individuals affected with RYR2-related disorders in the literature. This variant has been identified in 1/206888 chromosomes in the general population by the Genome Aggregation Database (gnomAD). The available evidence is insufficient to determine the role of this variant in disease conclusively. Therefore, this variant is classified as a Variant of Uncertain Significance.

This study involves interpretation of variants in research participants for the purpose of population health screening. Participant phenotype was not available at the time of variant classification. Additional details can be found in publication PMID: 35346344, PMCID: PMC8962531